The following is an entry in ClinVar:

NM_177559.3(CSNK2A1):c.311C>T (p.Pro104Leu)

Gene: CSNK2A1 (casein kinase 2 alpha 1; minus strand). Cytogenetic location: 20p13.
Variant type: single nucleotide variant.
Coding change: c.311C>T on transcript NM_177559.3 (MANE Select); coding-DNA position 311, C replaced by T.
Protein change: p.Pro104Leu; replaces proline 104 with leucine.
Molecular consequence: missense variant. On other transcripts: 5 prime UTR variant (1).
Genome position (GRCh38, 1-based): chr20:499,837, G>A on the plus strand (C>T on the coding strand, the complement: CSNK2A1 is on the minus strand). VCF-style: chr20-499837-G-A. GRCh37 (hg19) VCF-style: chr20-480481-G-A.
Other names: c.311C>T, p.Pro104Leu (NM_001362770.2, NM_001362771.2, NM_001895.4); c.-98C>T (NM_177560.3); short protein forms P104L.
Identifiers: ClinVar variation 5040522 (VCV005040522.1).

ClinVar aggregate classification (germline): Uncertain significance (1 of 4 stars; one submission).

Submission:

CeGaT Center for Human Genetics Tuebingen
Classification: Uncertain significance. Last evaluated: 2026-08-01. Review status: criteria provided, single submitter. Criteria: CeGaT Center For Human Genetics Tuebingen Variant Classification Criteria Version 2. Collection method: clinical testing. Allele origin: germline. Affected: yes. Observed: 1 variant allele.
Comment: CSNK2A1: PM2, PP2